The following is an entry in ClinVar:

ClinVar aggregate classification (germline): Uncertain significance (1 of 4 stars; one submission).

Conditions:
Long QT syndrome (LQTS). Identifiers: MedGen C0023976, MeSH D008133, MONDO:0002442. Disease mechanism: loss of function. Inheritance: Various modes of inheritance.

Allele frequency attached by ClinVar (database versions not stated): ExAC 0.00001; gnomAD exomes 0.00001.
gnomAD v4.1: 9 of 1,614,154 alleles (0.00056%); highest among the groups gnomAD compares: Admixed American, 0.005%; no homozygotes.

Submission:

Labcorp Genetics (formerly Invitae), Labcorp
Classification: Uncertain significance for Long QT syndrome. Last evaluated: 2023-11-17. Review status: criteria provided, single submitter. Criteria: Invitae Variant Classification Sherloc (09022015). Collection method: clinical testing. Allele origin: germline.
Comment: This sequence change replaces lysine, which is basic and polar, with glutamic acid, which is acidic and polar, at codon 2561 of the ANK2 protein (p.Lys2561Glu). This variant is present in population databases (rs751589249, gnomAD 0.006%). This variant has not been reported in the literature in individuals affected with ANK2-related conditions. ClinVar contains an entry for this variant (Variation ID: 1902091). An algorithm developed to predict the effect of missense changes on protein structure and function (PolyPhen-2) suggests that this variant is likely to be disruptive. In summary, the available evidence is currently insufficient to determine the role of this variant in disease. Therefore, it has been classified as a Variant of Uncertain Significance.

NM_001148.6(ANK2):c.7681A>G (p.Lys2561Glu)

Genes: ANK2 (ankyrin 2; plus strand), LOC126807137 (CDK7 strongly-dependent group 2 enhancer GRCh37_chr4:114276560-114277759; plus strand). Cytogenetic location: 4q26.
Variant type: single nucleotide variant.
Coding change: c.7681A>G on transcript NM_001148.6 (MANE Select); coding-DNA position 7681, A replaced by G.
Protein change: p.Lys2561Glu; replaces lysine 2561 with glutamic acid.
Molecular consequence: missense variant. On other transcripts: intron variant (68).
Genome position (GRCh38, 1-based): chr4:113,356,299, A>G. VCF-style: chr4-113356299-A-G. GRCh37 (hg19) VCF-style: chr4-114277455-A-G.
Other names: c.7447A>G, p.Lys2483Glu (NM_001386142.1); c.4081A>G, p.Lys1361Glu (NM_001386166.1); c.7822A>G, p.Lys2608Glu (NM_001386174.1); c.7798A>G, p.Lys2600Glu (NM_001386175.1); c.4412-4524A>G (NM_001386186.2, NM_001386148.2); c.4214-4524A>G (NM_001354269.3); c.4292-4524A>G (NM_001386187.2); c.4253-4524A>G (NM_001386147.1); and 35 more; short protein forms K2483E, K1361E, K2608E, K2600E, K2561E.
Identifiers: ClinVar variation 1902091 (VCV001902091.5), dbSNP rs751589249, ClinGen allele CA3051636.
Genomic context (GRCh38, chr4:113,356,299, plus strand): 5'-CCCAGCTCTGAAGAAGTCAGCTATGAGGTTACACCCAAAACCACAGATGTAAGTACACCA[A>G]AACCAGCTGTGATTCATGAATGTGCAGAGGAGGATGATTCAGAAAACGGGGAGAAAAAGA-3'
Protein context (NP_001139.3, residues 2551-2571): TPKTTDVSTP[Lys2561Glu]PAVIHECAEE